The following is an entry in ClinVar:

NM_198506.5(LRIT3):c.*232C>G

Gene: LRIT3 (leucine rich repeat, Ig-like and transmembrane domains 3; plus strand). Cytogenetic location: 4q25.
Variant type: single nucleotide variant.
Coding change: c.*232C>G on transcript NM_198506.5 (MANE Select); 232 bases downstream of the stop codon, C replaced by G.
Molecular consequence: 3 prime UTR variant.
Genome position (GRCh38, 1-based): chr4:109,871,021, C>G. VCF-style: chr4-109871021-C-G. GRCh37 (hg19) VCF-style: chr4-110792177-C-G.
Identifiers: ClinVar variation 347201 (VCV000347201.5), dbSNP rs116151046, ClinGen allele CA10616878.

ClinVar aggregate classification (germline): Benign (1 of 4 stars; one submission).

Conditions:
Congenital stationary night blindness 1F. Also called: Night blindness, congenital stationary (complete), 1F, autosomal recessive. Identifiers: Orphanet 215, MedGen C3554399, MONDO:0014026, OMIM 615058.

Allele frequency attached by ClinVar (database versions not stated): gnomAD exomes 0.00093; 1000 Genomes Project 0.00559; 1000 Genomes Project 30x 0.00578; gnomAD 0.00656 and 0.00720; TOPMed 0.00762.

Submission:

Illumina Laboratory Services, Illumina
Classification: Benign for Congenital stationary night blindness 1F. Last evaluated: 2018-01-12. Review status: criteria provided, single submitter. Criteria: ICSL Variant Classification Criteria 13 December 2019. Collection method: clinical testing. Allele origin: germline.
Comment: This variant was observed in the ICSL laboratory as part of a predisposition screen in an ostensibly healthy population. It had not been previously curated by ICSL or reported in the Human Gene Mutation Database (HGMD: prior to June 1st, 2018), and was therefore a candidate for classification through an automated scoring system. Utilizing variant allele frequency, disease prevalence and penetrance estimates, and inheritance mode, an automated score was calculated to assess if this variant is too frequent to cause the disease. Based on the score and internal cut-off values, a variant classified as benign is not then subjected to further curation. The score for this variant resulted in a classification of benign for this disease.